The following is an entry in ClinVar:

NM_002691.4(POLD1):c.265C>T (p.Pro89Ser)

Gene: POLD1 (DNA polymerase delta 1, catalytic subunit; plus strand). Cytogenetic location: 19q13.33.
Variant type: single nucleotide variant.
Coding change: c.265C>T on transcript NM_002691.4 (MANE Select); coding-DNA position 265, C replaced by T.
Protein change: p.Pro89Ser; replaces proline 89 with serine.
Molecular consequence: missense variant. On other transcripts: non-coding transcript variant (1).
Genome position (GRCh38, 1-based): chr19:50,399,433, C>T. VCF-style: chr19-50399433-C-T. GRCh37 (hg19) VCF-style: chr19-50902690-C-T.
Other names: c.265C>T, p.Pro89Ser (NM_001256849.1, NM_001308632.1); c.265C>T (NM_002691.2); short protein forms P89S.
Identifiers: ClinVar variation 961053 (VCV000961053.8), dbSNP rs2038500582, ClinGen allele CA406970518.
Genomic context (GRCh38, chr19:50,399,433, plus strand): 5'-CAGGTCCCACCATCAGCCATAGATCCTCGCTGGCTTCGGCCCACACCACCAGCGCTGGAC[C>T]CCCAGACAGAGCCCCTCATCTTCCAACAGTTGGAGATTGACCATTATGTGGGTGAGTTTA-3'
Protein context (NP_002682.2, residues 79-99): WLRPTPPALD[Pro89Ser]QTEPLIFQQL

ClinVar aggregate classification (germline): Uncertain significance. Review status: criteria provided, multiple submitters, no conflicts (2 of 4 stars). 2 submissions from 2 submitters: Uncertain significance (2). Last evaluated 2024-07-22.

Conditions:
POLD1-related polyposis and colorectal cancer syndrome (CRCS10). Also called: Colorectal cancer 10; COLORECTAL CANCER, SUSCEPTIBILITY TO, ON CHROMOSOME 19q; Colorectal cancer, susceptibility to, 10. Identifiers: Orphanet 220460, MedGen C2675481, MONDO:0012953, OMIM 612591.
Hereditary cancer-predisposing syndrome. Also called: Tumor predisposition; Hereditary Cancer Syndrome; Hereditary neoplastic syndrome; Neoplastic Syndromes, Hereditary. Identifiers: Orphanet 140162, MedGen C0027672, MeSH D009386, MONDO:0015356.

Submissions (2):

Labcorp Genetics (formerly Invitae), Labcorp
Classification: Uncertain significance for POLD1-related polyposis and colorectal cancer syndrome. Last evaluated: 2024-07-22. Review status: criteria provided, single submitter. Criteria: Invitae Variant Classification Sherloc (09022015). Collection method: clinical testing. Allele origin: germline.
Comment: This sequence change replaces proline, which is neutral and non-polar, with serine, which is neutral and polar, at codon 89 of the POLD1 protein (p.Pro89Ser). This variant is not present in population databases (gnomAD no frequency). This variant has not been reported in the literature in individuals affected with POLD1-related conditions. ClinVar contains an entry for this variant (Variation ID: 961053). Advanced modeling of protein sequence and biophysical properties (such as structural, functional, and spatial information, amino acid conservation, physicochemical variation, residue mobility, and thermodynamic stability) performed at Invitae indicates that this missense variant is not expected to disrupt POLD1 protein function with a negative predictive value of 80%. In summary, the available evidence is currently insufficient to determine the role of this variant in disease. Therefore, it has been classified as a Variant of Uncertain Significance.

Ambry Genetics
Classification: Uncertain significance for Hereditary cancer-predisposing syndrome. Last evaluated: 2023-10-10. Review status: criteria provided, single submitter. Criteria: Ambry Variant Classification Scheme 2023. Collection method: clinical testing. Allele origin: germline.
Comment: The p.P89S variant (also known as c.265C>T), located in coding exon 2 of the POLD1 gene, results from a C to T substitution at nucleotide position 265. The proline at codon 89 is replaced by serine, an amino acid with similar properties. This amino acid position is conserved. In addition, this alteration is predicted to be tolerated by in silico analysis. Since supporting evidence is limited at this time, the clinical significance of this alteration remains unclear.